The following is an entry in ClinVar:

ClinVar aggregate classification (germline): Likely pathogenic. Review status: reviewed by expert panel (3 of 4 stars). 8 submissions from 8 submitters: Likely pathogenic (1). 7 of the submissions do not count toward it. Last evaluated 2023-08-04.

Conditions:
CDH1-related diffuse gastric and lobular breast cancer syndrome. Also called: CDH1-related diffuse gastric and lobular breast cancer. Identifiers: MedGen CN311521, MONDO:0100488.
Hereditary cancer-predisposing syndrome. Also called: Tumor predisposition; Hereditary neoplastic syndrome; Hereditary Cancer Syndrome; Neoplastic Syndromes, Hereditary. Identifiers: Orphanet 140162, MedGen C0027672, MeSH D009386, MONDO:0015356.
Hereditary diffuse gastric adenocarcinoma (HDGC). Also called: DIFFUSE GASTRIC AND LOBULAR BREAST CANCER SYNDROME. Identifiers: Orphanet 26106, MedGen C1708349, MONDO:0007648, OMIM 137215.

Submissions (8):

Clingen Gastric Cancer Variant Curation Expert Panel
Classification: Likely pathogenic for CDH1-related diffuse gastric and lobular breast cancer syndrome. Last evaluated: 2023-08-04. Review status: reviewed by expert panel. Criteria: ClinGen CDH1 ACMG Specifications V3.1. Collection method: curation. Allele origin: germline. Inheritance: Autosomal dominant inheritance.
Comment: The c.1711+1G>A variant is a canonical splice variant predicted to result in a truncated or absent protein (PVS1_Strong). The variant is absent in the gnomAD cohort. (PM2_Supporting). This variant is at +1 donor site variant with other likely pathogenic canonical splicing variants curated at the same splice site (PM5_Supporting). Therefore, this variant meets criteria to be classified as likely pathogenic based on the ACMG/AMP criteria applied as specified by the CDH1 Variant Curation Expert Panel (Variant Interpretation Guidelines Version 3.1): PVS1_Strong, PM2_Supporting, PM5_Supporting.

KCCC/NGS Laboratory, Kuwait Cancer Control Center
Classification: Likely pathogenic for Hereditary diffuse gastric adenocarcinoma. Last evaluated: 2025-12-01. Review status: criteria provided, single submitter. Criteria: ACMG Guidelines, 2015. Collection method: clinical testing. Allele origin: germline. Inheritance: Autosomal dominant inheritance. Affected: yes. Not counted in ClinVar's aggregate classification.
Comment: A known Likely pathogenic variant

Labcorp Genetics (formerly Invitae), Labcorp
Classification: Likely pathogenic for Hereditary diffuse gastric adenocarcinoma. Last evaluated: 2024-04-16. Review status: criteria provided, single submitter. Criteria: Invitae Variant Classification Sherloc (09022015). Collection method: clinical testing. Allele origin: germline. Not counted in ClinVar's aggregate classification.
Comment: This sequence change affects a donor splice site in intron 11 of the CDH1 gene. RNA analysis indicates that disruption of this splice site induces altered splicing and may result in an absent or disrupted protein product. This variant is not present in population databases (gnomAD no frequency). This variant has not been reported in the literature in individuals affected with CDH1-related conditions. ClinVar contains an entry for this variant (Variation ID: 428628). Studies have shown that disruption of this splice site results in skipping of exon 11 and introduces a premature termination codon (Invitae). The resulting mRNA is expected to undergo nonsense-mediated decay. In summary, the currently available evidence indicates that the variant is pathogenic, but additional data are needed to prove that conclusively. Therefore, this variant has been classified as Likely Pathogenic.

Myriad Genetics, Inc.
Classification: Likely pathogenic for Hereditary diffuse gastric adenocarcinoma. Last evaluated: 2023-06-14. Review status: criteria provided, single submitter. Criteria: Myriad Autosomal Dominant, Autosomal Recessive and X-Linked Classification Criteria (2023). Collection method: clinical testing. Allele origin: unknown. Not counted in ClinVar's aggregate classification.
Comment: This variant is considered likely pathogenic. This variant occurs within a consensus splice junction and is predicted to result in abnormal mRNA splicing of either an out-of-frame exon or an in-frame exon necessary for protein stability and/or normal function.

Quest Diagnostics Nichols Institute San Juan Capistrano
Classification: Pathogenic. Last evaluated: 2023-01-10. Review status: criteria provided, single submitter. Criteria: Quest Diagnostics criteria. Collection method: clinical testing. Allele origin: unknown. Not counted in ClinVar's aggregate classification.
Comment: This variant disrupts a canonical splice-donor site and interferes with normal CDH1 mRNA splicing. This variant has not been reported in large, multi-ethnic general populations. In the published literature, the variant has been reported in an individual with a personal or family history of gastric cancer (PMID: 31077828 (2020)). Based on the available information, this variant is classified as pathogenic.

Department of Pathology and Laboratory Medicine, Sinai Health System
Classification: Pathogenic for Hereditary diffuse gastric adenocarcinoma. Last evaluated: 2022-07-18. Review status: criteria provided, single submitter. Criteria: ACMG Guidelines, 2015. Collection method: clinical testing. Allele origin: germline. Affected: yes. Not counted in ClinVar's aggregate classification.

GeneDx
Classification: Likely pathogenic. Last evaluated: 2022-04-26. Review status: criteria provided, single submitter. Criteria: GeneDx Variant Classification Process June 2021. Collection method: clinical testing. Allele origin: germline. Affected: yes. Not counted in ClinVar's aggregate classification.
Comment: Canonical splice site variant predicted to result in a null allele in a gene for which loss of function is a known mechanism of disease; Not observed at significant frequency in large population cohorts (gnomAD); Observed in at least one individual undergoing next-generation sequencing for hereditary disorders (LaDuca 2017); This variant is associated with the following publications: (PMID: 28152038)

Ambry Genetics
Classification: Pathogenic for Hereditary cancer-predisposing syndrome. Last evaluated: 2021-02-26. Review status: criteria provided, single submitter. Criteria: Ambry Variant Classification Scheme 2023. Collection method: clinical testing. Allele origin: germline. Not counted in ClinVar's aggregate classification.
Comment: The c.1711+1G>A intronic pathogenic mutation results from a G to A substitution one nucleotide after coding exon 11 of the CDH1 gene. A different alteration at this splice site, c.1711+1G>C, has been reported in an individual with lobular breast cancer and in a cleft lip/palate (CLP) / hereditary diffuse gastric cancer (HDGC) family (Sarri&oacute; D et al. Int J Cancer, 2003 Aug;106:208-15, Obermair F et al. Fam Cancer, 2019 04;18:253-260). In silico splice site analysis predicts that this alteration will weaken the native splice donor site. Alterations that disrupt the canonical splice site are expected to cause aberrant splicing, resulting in an abnormal protein or a transcript that is subject to nonsense-mediated mRNA decay. As such, this alteration is classified as a disease-causing mutation.

Literature cited by the submitters: PubMed 31077828 (cited by Quest Diagnostics Nichols Institute San Juan Capistrano).

NM_004360.5(CDH1):c.1711+1G>A

Gene: CDH1 (cadherin 1; plus strand). Cytogenetic location: 16q22.1.
Variant type: single nucleotide variant.
Coding change: c.1711+1G>A on transcript NM_004360.5 (MANE Select); the canonical splice donor site of the intron after coding-DNA position 1711, G replaced by A.
Molecular consequence: splice donor variant. On other transcripts: intron variant (1).
Genome position (GRCh38, 1-based): chr16:68,819,426, G>A. VCF-style: chr16-68819426-G-A. GRCh37 (hg19) VCF-style: chr16-68853329-G-A.
Other names: c.1711+1G>A (NM_004360.4); c.163+1G>A (NM_001317185.2); c.-254-2575G>A (NM_001317186.2); c.1528+1G>A (NM_001317184.2).
Identifiers: ClinVar variation 428628 (VCV000428628.22), dbSNP rs886041161, ClinGen allele CA396465476.